The following is an entry in ClinVar:

NM_000540.3(RYR1):c.7036G>A (p.Val2346Met)

Gene: RYR1 (ryanodine receptor 1; plus strand). Cytogenetic location: 19q13.2.
Variant type: single nucleotide variant.
Coding change: c.7036G>A on transcript NM_000540.3 (MANE Select); coding-DNA position 7036, G replaced by A.
Protein change: p.Val2346Met; replaces valine 2346 with methionine.
Molecular consequence: missense variant.
Genome position (GRCh38, 1-based): chr19:38,499,643, G>A. VCF-style: chr19-38499643-G-A. GRCh37 (hg19) VCF-style: chr19-38990283-G-A.
Other names: c.7036G>A, p.Val2346Met (NM_001042723.2); c.7036G>A (NM_000540.2); short protein forms V2346M.
Identifiers: ClinVar variation 133179 (VCV000133179.22), dbSNP rs193922799, ClinGen allele CA024676.

ClinVar aggregate classification (germline): Uncertain significance. Review status: reviewed by expert panel (3 of 4 stars). 12 submissions from 12 submitters: Uncertain significance (1). 11 of the submissions do not count toward it. Last evaluated 2025-08-01.

Conditions:
RYR1-related disorder. Also called: RYR1-related disorders; RYR1-related condition. Identifiers: MedGen CN239331.
Malignant hyperthermia, susceptibility to, 1 (MHS1). Also called: Malignant hyperthermia suceptibility 1; Anesthesia related hyperthermia; Malignant hyperpyrexia; Fulminating hyperpyrexia; Pharmacogenic myopathy; RYR1-Related Malignant Hyperthermia Susceptibility. Identifiers: Orphanet 423, MedGen C2930980, MONDO:0007783, OMIM 145600.
Congenital multicore myopathy with external ophthalmoplegia (CMYO1B). Also called: Congenital myopathy 1B, autosomal recessive; Minicore myopathy; MULTICORE MYOPATHY; MULTIMINICORE DISEASE WITH EXTERNAL OPHTHALMOPLEGIA; Minicore myopathy with external ophthalmoplegia. Identifiers: Orphanet 598, Orphanet 98905, MedGen C1850674, MONDO:0009712, OMIM 255320, HP:0003789.

Allele frequency attached by ClinVar (database versions not stated): TOPMed below 0.00001; ExAC 0.00001; gnomAD 0.00001; gnomAD exomes 0.00001.
gnomAD v4.1: 20 of 1,597,916 alleles (0.0013%); highest among the groups gnomAD compares: East Asian, 0.0022%; no homozygotes.

Submissions (12):

ClinGen Malignant Hyperthermia Susceptibility Variant Curation Expert Panel, ClinGen
Classification: Uncertain significance for Malignant hyperthermia, susceptibility to, 1. Last evaluated: 2025-08-01. Review status: reviewed by expert panel. Criteria: ClinGen MHS ACMG Specifications V2. Collection method: curation. Allele origin: germline. Inheritance: Autosomal dominant inheritance.
Comment: This pathogenicity assessment is relevant only for malignant hyperthermia susceptibility (MHS) inherited in an autosomal dominant pattern. Variants in RYR1 can also cause other myopathies inherited in an autosomal dominant pattern or in an autosomal recessive pattern. Some of these disorders may predispose individuals to malignant hyperthermia. RYR1 variants may also contribute to a malignant hyperthermia reaction in combination with other genetic and non-genetic factors and the clinician needs to consider such factors in making management decisions. This sequence variant predicts a substitution of valine with methionine at codon 2346 of the RYR1 protein, p.(Val2346Met). The maximum allele frequency for this variant among the six major gnomAD populations is SAS: 0.000033, a frequency consistent with pathogenicity for MHS. This variant has been reported in two unrelated individuals who have a personal or family history of a malignant hyperthermia reaction; both of these individuals had a positive in vitro contracture test (IVCT) or caffeine halothane contracture test (CHCT) result (if the proband was unavailable for testing, a positive diagnostic test result in a mutation-positive relative was counted), however, these individuals were not counted for PS4 as they have a second RYR1 variant phase unknown (PMID:16163667, PMID:30236257). No functional studies were identified for this variant. This variant resides in a region of RYR1 considered to be a hotspot for pathogenic variants that contribute to MHS, PM1 (PMID: 21118704). A REVEL score >0.85 (0.944) supports a pathogenic status for this variant, PP3_Moderate. This variant has been classified as a Variant of Unknown Significance. Criteria implemented: PM1, PP3_Moderate.

GeneDx
Classification: Likely pathogenic. Last evaluated: 2025-10-23. Review status: criteria provided, single submitter. Criteria: GeneDx Variant Classification Process June 2021. Collection method: clinical testing. Allele origin: germline. Affected: yes. Not counted in ClinVar's aggregate classification.
Comment: Previously reported in an individual with muscle rigidity, elevated CK levels, MHS confirmed by IVCT and muscle biopsy evidence of core myopathy; a second RYR1 variant was also identified, however segregation studies were not reported (PMID: 14985404); In silico analysis supports that this missense variant has a deleterious effect on protein structure/function; Not observed at significant frequency in large population cohorts (gnomAD); This variant is associated with the following publications: (PMID: 16163667, 31165076, 19825159, 26119398, 14985404, 12668474, 33767344, 30236257, 39745345)

Color Diagnostics, LLC DBA Color Health
Classification: Likely pathogenic for Malignant hyperthermia, susceptibility to, 1. Last evaluated: 2025-07-09. Review status: criteria provided, single submitter. Criteria: ACMG Guidelines, 2015. Collection method: clinical testing. Allele origin: germline. Not counted in ClinVar's aggregate classification.
Comment: This missense variant replaces valine with methionine at codon 2346 of the RYR1 protein. Computational prediction suggests that this variant may have deleterious impact on protein structure and function. This variant occurs in a region of the RYR1 protein that is considered to be a hotspot for pathogenic variants that contribute to malignant hyperthermia susceptibility (PMID: 21118704). To our knowledge, functional studies have not been reported for this variant. This variant has been reported in multiple individuals affected with malignant hyperthermia susceptibility (PMID: 14985404, 16163667, 30236257, 39745345). This variant has been identified in 2/238470 chromosomes in the general population by the Genome Aggregation Database (gnomAD). Based on the available evidence, this variant is classified as Likely Pathogenic.

Dubai Health Genomic Medicine Center, Dubai Health
Classification: Likely pathogenic for Congenital myopathy 1B, autosomal recessive. Last evaluated: 2024-10-04. Review status: criteria provided, single submitter. Criteria: ACMG Guidelines, 2015. Collection method: research. Allele origin: germline. Affected: yes. Not counted in ClinVar's aggregate classification.
Comment: PM1,PM2,PM5,PP3

Blueprint Genetics
Classification: Uncertain significance. Last evaluated: 2023-12-05. Review status: criteria provided, single submitter. Criteria: ACMG Guidelines, 2015. Collection method: clinical testing. Allele origin: germline. Not counted in ClinVar's aggregate classification.

Baylor Genetics
Classification: Likely pathogenic for Malignant hyperthermia, susceptibility to, 1. Last evaluated: 2023-02-21. Review status: criteria provided, single submitter. Criteria: ACMG Guidelines, 2015. Collection method: clinical testing. Allele origin: unknown. Not counted in ClinVar's aggregate classification.

Labcorp Genetics (formerly Invitae), Labcorp
Classification: Uncertain significance for RYR1-related disorder. Last evaluated: 2022-02-18. Review status: criteria provided, single submitter. Criteria: Invitae Variant Classification Sherloc (09022015). Collection method: clinical testing. Allele origin: germline. Not counted in ClinVar's aggregate classification.
Comment: This sequence change replaces valine, which is neutral and non-polar, with methionine, which is neutral and non-polar, at codon 2346 of the RYR1 protein (p.Val2346Met). This variant is present in population databases (rs193922799, gnomAD 0.003%). This missense change has been observed in individual(s) with RYR1-related conditions (PMID: 14985404). ClinVar contains an entry for this variant (Variation ID: 133179). Advanced modeling of protein sequence and biophysical properties (such as structural, functional, and spatial information, amino acid conservation, physicochemical variation, residue mobility, and thermodynamic stability) performed at Invitae indicates that this missense variant is expected to disrupt RYR1 protein function. In summary, the available evidence is currently insufficient to determine the role of this variant in disease. Therefore, it has been classified as a Variant of Uncertain Significance.

AiLife Diagnostics
Classification: Likely pathogenic. Last evaluated: 2022-01-09. Review status: criteria provided, single submitter. Criteria: ACMG Guidelines, 2015. Collection method: clinical testing. Allele origin: germline. Affected: yes. Observed: 1 variant allele. Not counted in ClinVar's aggregate classification.

Juno Genomics, Hangzhou Juno Genomics, Inc
Classification: Likely pathogenic for Malignant hyperthermia, susceptibility to, 1. Review status: criteria provided, single submitter. Criteria: ACMG Guidelines, 2015. Collection method: clinical testing. Allele origin: germline. Not counted in ClinVar's aggregate classification.
Comment: The prevalence of the variant in affected individuals is significantly increased compared to the prevalence in controls.;Located in a mutational hot spot and/or critical and well-established functional domain without benign variation.;Multiple lines of computational evidence support a deleterious effect on the gene or gene product.

Joint Genome Diagnostic Labs from Nijmegen and Maastricht, Radboudumc and MUMC+
Classification: Uncertain significance. Review status: no assertion criteria provided. Collection method: clinical testing. Allele origin: germline. Affected: yes. Study: VKGL Data-share Consensus. Not counted in ClinVar's aggregate classification.

Laboratory of Diagnostic Genome Analysis, Leiden University Medical Center (LUMC)
Classification: Uncertain significance. Review status: no assertion criteria provided. Collection method: clinical testing. Allele origin: germline. Affected: yes. Study: VKGL Data-share Consensus. Not counted in ClinVar's aggregate classification.

RYR1 database
No classification provided. Review status: no classification provided. Collection method: not provided. Allele origin: unknown. Not counted in ClinVar's aggregate classification.

Literature cited by the submitters: PubMed 14985404 (cited by 3 submitters); PubMed 16163667 (cited by Color Diagnostics, LLC DBA Color Health); PubMed 21118704 (cited by Color Diagnostics, LLC DBA Color Health); PubMed 30236257 (cited by Color Diagnostics, LLC DBA Color Health); PubMed 39745345 (cited by Color Diagnostics, LLC DBA Color Health).